The following is an entry in ClinVar:

ClinVar aggregate classification (germline): Conflicting classifications of pathogenicity. Review status: criteria provided, conflicting classifications (1 of 4 stars). 6 submissions from 5 submitters: Uncertain significance (1); Benign (4). 1 of the submissions does not count toward it. Last evaluated 2021-05-28.

Conditions:
FLCN-related disorder. Also called: FLCN-related condition.
Familial spontaneous pneumothorax (PSP). Identifiers: Orphanet 2903, MedGen C1868193, MONDO:0008259, OMIM 173600.
Nonpapillary renal cell carcinoma. Identifiers: Orphanet 422526, MedGen CN074294, MONDO:0007763, OMIM 144700.
Birt-Hogg-Dube syndrome 1 (BHD1). Also called: FIBROFOLLICULOMAS WITH TRICHODISCOMAS AND ACROCHORDONS. Identifiers: Orphanet 122, MedGen CN375946, MONDO:0800445, OMIM 135150.
Colorectal cancer. Also called: Colorectal cancer, somatic; Malignant Colorectal Neoplasm. Identifiers: MedGen C0346629, MONDO:0005575, OMIM 114500.
Birt-Hogg-Dube syndrome. Also called: Birt Hogg Dubé syndrome. Identifiers: Orphanet 122, MedGen C0346010, MONDO:0800444.

Allele frequency attached by ClinVar (database versions not stated): TOPMed 0.71740; gnomAD 0.72552 and 0.72691; 1000 Genomes Project 30x 0.73423; 1000 Genomes Project 0.74321; gnomAD exomes 0.82692.
gnomAD v4.1: 110,618 of 152,062 alleles (73%); highest among the groups gnomAD compares: East Asian, 85%; 40,736 homozygotes.

Submissions (6):

Department of Pathology and Laboratory Medicine, Sinai Health System
Classification: Uncertain significance for Birt-Hogg-Dube syndrome 1; Colorectal cancer; Familial spontaneous pneumothorax; Nonpapillary renal cell carcinoma. Last evaluated: 2021-05-28. Review status: criteria provided, single submitter. Criteria: ACMG Guidelines, 2015. Collection method: clinical testing. Allele origin: germline. Affected: no.

GeneDx
Classification: Benign. Last evaluated: 2018-06-22. Review status: criteria provided, single submitter. Criteria: GeneDx Variant Classification Process June 2021. Collection method: clinical testing. Allele origin: germline. Affected: yes.

Illumina Laboratory Services, Illumina
Classification: Benign for Familial spontaneous pneumothorax. Last evaluated: 2018-01-13. Review status: criteria provided, single submitter. Criteria: ICSL Variant Classification Criteria 13 December 2019. Collection method: clinical testing. Allele origin: germline.
Comment: This variant was observed in the ICSL laboratory as part of a predisposition screen in an ostensibly healthy population. It had not been previously curated by ICSL or reported in the Human Gene Mutation Database (HGMD: prior to June 1st, 2018), and was therefore a candidate for classification through an automated scoring system. Utilizing variant allele frequency, disease prevalence and penetrance estimates, and inheritance mode, an automated score was calculated to assess if this variant is too frequent to cause the disease. Based on the score and internal cut-off values, a variant classified as benign is not then subjected to further curation. The score for this variant resulted in a classification of benign for this disease.

Illumina Laboratory Services, Illumina
Classification: Benign for Birt-Hogg-Dube syndrome 1. Last evaluated: 2018-01-13. Review status: criteria provided, single submitter. Criteria: ICSL Variant Classification Criteria 13 December 2019. Collection method: clinical testing. Allele origin: germline.
Comment: the same text as in the submission from Illumina Laboratory Services, Illumina above.

Breakthrough Genomics
Classification: Benign. Review status: criteria provided, single submitter. Criteria: ACMG Guidelines, 2015. Collection method: not provided. Allele origin: germline. Inheritance: Autosomal dominant inheritance. Affected: yes.

PreventionGenetics, part of Exact Sciences
Classification: Benign for FLCN-related condition. Last evaluated: 2024-03-13. Review status: no assertion criteria provided. Collection method: clinical testing. Allele origin: germline. Not counted in ClinVar's aggregate classification.
Comment: This variant is classified as benign based on ACMG/AMP sequence variant interpretation guidelines (Richards et al. 2015 PMID: 25741868, with internal and published modifications).

NM_144997.7(FLCN):c.-487G>C

Gene: FLCN (folliculin; minus strand). Cytogenetic location: 17p11.2.
Variant type: single nucleotide variant.
Coding change: c.-487G>C on transcript NM_144997.7 (MANE Select); 487 bases upstream of the start codon, G replaced by C.
Molecular consequence: genic upstream transcript variant.
Genome position (GRCh38, 1-based): chr17:17,237,171, C>G on the plus strand (G>C on the coding strand, the complement: FLCN is on the minus strand). VCF-style: chr17-17237171-C-G. GRCh37 (hg19) VCF-style: chr17-17140485-C-G.
Identifiers: ClinVar variation 322087 (VCV000322087.11), dbSNP rs1736209, ClinGen allele CA10644979.